The following is an entry in ClinVar:

ClinVar aggregate classification (germline): Pathogenic. Review status: reviewed by expert panel (3 of 4 stars). 6 submissions from 6 submitters: Pathogenic (1). 5 of the submissions do not count toward it. Last evaluated 2016-10-18.

Conditions:
Hereditary cancer-predisposing syndrome. Also called: Tumor predisposition; Neoplastic Syndromes, Hereditary; Hereditary neoplastic syndrome; Hereditary Cancer Syndrome. Identifiers: Orphanet 140162, MedGen C0027672, MeSH D009386, MONDO:0015356.
Hereditary breast ovarian cancer syndrome. Also called: Hereditary breast and ovarian cancer; Hereditary breast and ovarian cancer syndrome (HBOC); Hereditary breast and/or ovarian cancer syndrome; Breast and ovarian cancer; Hereditary breast and ovarian cancer syndrome; BRCA1- and BRCA2-Associated Hereditary Breast and Ovarian Cancer. Identifiers: Orphanet 145, MedGen C0677776, MeSH D061325, MONDO:0003582. Disease mechanism: loss of function.
Breast-ovarian cancer, familial, susceptibility to, 2 (BROVCA2). Also called: BRCA2 Hereditary Breast and Ovarian Cancer. Identifiers: Orphanet 145, MedGen C2675520, MONDO:0012933, OMIM 612555. Disease mechanism: loss of function.

Submissions (6):

Evidence-based Network for the Interpretation of Germline Mutant Alleles (ENIGMA)
Classification: Pathogenic for Breast-ovarian cancer, familial, susceptibility to, 2. Last evaluated: 2016-10-18. Review status: reviewed by expert panel. Criteria: ENIGMA BRCA1/2 Classification Criteria (2015). Collection method: curation. Allele origin: germline.
Comment: Variant allele predicted to encode a truncated non-functional protein.

Labcorp Genetics (formerly Invitae), Labcorp
Classification: Pathogenic for Hereditary breast ovarian cancer syndrome. Last evaluated: 2024-05-16. Review status: criteria provided, single submitter. Criteria: Invitae Variant Classification Sherloc (09022015). Collection method: clinical testing. Allele origin: germline. Not counted in ClinVar's aggregate classification.
Comment: This sequence change creates a premature translational stop signal (p.Asn570Phefs*19) in the BRCA2 gene. It is expected to result in an absent or disrupted protein product. Loss-of-function variants in BRCA2 are known to be pathogenic (PMID: 20104584). This variant is not present in population databases (gnomAD no frequency). This variant has not been reported in the literature in individuals affected with BRCA2-related conditions. ClinVar contains an entry for this variant (Variation ID: 266655). For these reasons, this variant has been classified as Pathogenic.

ARUP Laboratories, Molecular Genetics and Genomics, ARUP Laboratories
Classification: Pathogenic. Last evaluated: 2022-03-31. Review status: criteria provided, single submitter. Criteria: ARUP Molecular Germline Variant Investigation Process 2021. Collection method: clinical testing. Allele origin: germline. Not counted in ClinVar's aggregate classification.
Comment: The BRCA2 c.1707_1708delGA; p.Asn570PhefsTer19 variant (rs886040384), to our knowledge, is not reported in the medical literature but is reported in ClinVar (Variation ID: 266655). This variant is classified as pathogenic by the evidence-based network for the interpretation of germline mutant alleles (ENIGMA) expert panel (see link to ENIGMA consortium classification criteria). This variant is absent from the Genome Aggregation Database, indicating it is not a common polymorphism. This variant causes a frameshift by deleting 2 nucleotides, so it is predicted to result in a truncated protein or mRNA subject to nonsense-mediated decay. Based on available information, this variant is considered to be pathogenic. References: Link to ENIGMA classification criteria

Ambry Genetics
Classification: Pathogenic for Hereditary cancer-predisposing syndrome. Last evaluated: 2017-05-18. Review status: criteria provided, single submitter. Criteria: Ambry Variant Classification Scheme 2023. Collection method: clinical testing. Allele origin: germline. Not counted in ClinVar's aggregate classification.
Comment: The c.1707_1708delGA pathogenic mutation, located in coding exon 9 of the BRCA2 gene, results from a deletion of two nucleotides at nucleotide positions 1707 to 1708, causing a translational frameshift with a predicted alternate stop codon (p.N570Ffs*19). This alteration is expected to result in loss of function by premature protein truncation or nonsense-mediated mRNA decay. As such, this alteration is interpreted as a disease-causing mutation.

Consortium of Investigators of Modifiers of BRCA1/2 (CIMBA), c/o University of Cambridge
Classification: Pathogenic for Breast-ovarian cancer, familial, susceptibility to, 2. Last evaluated: 2015-10-02. Review status: criteria provided, single submitter. Criteria: CIMBA Mutation Classification guidelines May 2016. Collection method: clinical testing. Allele origin: germline. Not counted in ClinVar's aggregate classification.

BRCAlab, Lund University
Classification: Pathogenic for Breast-ovarian cancer, familial, susceptibility to, 2. Last evaluated: 2020-03-02. Review status: no assertion criteria provided. Collection method: clinical testing. Allele origin: germline. Affected: yes. Not counted in ClinVar's aggregate classification.

Literature cited by the submitters: PubMed 20104584 (cited by Labcorp Genetics (formerly Invitae), Labcorp).

NM_000059.4(BRCA2):c.1707_1708del (p.Asn570fs)

Gene: BRCA2 (BRCA2 DNA repair associated; plus strand). Cytogenetic location: 13q13.1.
Variant type: Deletion.
Coding change: c.1707_1708del on transcript NM_000059.4 (MANE Select); coding-DNA positions 1707 to 1708, 2 bases deleted (GA; older notation c.1707_1708delGA).
Protein change: p.Asn570fs; shifts the reading frame from asparagine 570.
Molecular consequence: frameshift variant.
Genome position (GRCh38, 1-based): chr13:32,333,185-32,333,186, GA deleted; deleting any 2 consecutive bases within chr13:32,333,184-32,333,186 gives the same sequence; the c. name uses the placement nearest the transcript's 3' end. VCF-style (leftmost placement, unchanged base first): chr13-32333183-CAG-C. GRCh37 (hg19) VCF-style: chr13-32907320-CAG-C.
Other names: 1935delGA (Stop588); c.1707_1708delGA (NM_000059.3).
Identifiers: ClinVar variation 266655 (VCV000266655.20), dbSNP rs886040384, ClinGen allele CA10589114.
Genomic context (GRCh38, chr13:32,333,183, plus strand): 5'-AAGGAGGACTCCTTATGTCCAAATTTAATTGATAATGGAAGCTGGCCAGCCACCACCACA[CAG>C]AATTCTGTAGCTTTGAAGAATGCAGGTTTAATATCCACTTTGAAAAAGAAAACAAATAAG-3'